The following is an entry in ClinVar:

NM_001034853.2(RPGR):c.397A>T (p.Ile133Phe)

Gene: RPGR (retinitis pigmentosa GTPase regulator; minus strand). Cytogenetic location: Xp11.4.
Variant type: single nucleotide variant.
Coding change: c.397A>T on transcript NM_001034853.2 (MANE Select); coding-DNA position 397, A replaced by T.
Protein change: p.Ile133Phe; replaces isoleucine 133 with phenylalanine.
Molecular consequence: missense variant. On other transcripts: non-coding transcript variant (6).
Genome position (GRCh38, 1-based): chrX:38,318,901, T>A on the plus strand (A>T on the coding strand, the complement: RPGR is on the minus strand). VCF-style: chrX-38318901-T-A. GRCh37 (hg19) VCF-style: chrX-38178154-T-A.
Other names: c.397A>T, p.Ile133Phe (NM_000328.3, NM_001367245.1, NM_001367246.1 and 3 more transcripts); c.427A>T, p.Ile143Phe (NM_001367248.1); c.394A>T, p.Ile132Phe (NM_001367249.1); short protein forms I132F, I133F, I143F.
Identifiers: ClinVar variation 1992645 (VCV001992645.4), dbSNP rs2519894710, ClinGen allele CA412745144.
Genomic context (GRCh38, chrX:38,318,901, plus strand): 5'-CTGAAGTATTAGATCCAGCAGACAGCTGCTTAATCTTATGCTCGGATGTAAAAAAGCTAA[T>A]TACATGAAAAGTGTTTCTTTCTTCGGTGTCACCAAGCCCCAACTGTCCTTCATTATTTCC-3'
Protein context (NP_001030025.1, residues 123-143): DTEERNTFHV[Ile133Phe]SFFTSEHKIK

ClinVar aggregate classification (germline): Uncertain significance (1 of 4 stars; one submission).

Conditions:
Primary ciliary dyskinesia. Also called: Ciliary dyskinesia. Identifiers: Orphanet 244, MedGen C0008780, MONDO:0016575, HP:0012265.

Submission:

Labcorp Genetics (formerly Invitae), Labcorp
Classification: Uncertain significance for Primary ciliary dyskinesia. Last evaluated: 2022-10-13. Review status: criteria provided, single submitter. Criteria: Invitae Variant Classification Sherloc (09022015). Collection method: clinical testing. Allele origin: germline.
Comment: In summary, the available evidence is currently insufficient to determine the role of this variant in disease. Therefore, it has been classified as a Variant of Uncertain Significance. Advanced modeling of protein sequence and biophysical properties (such as structural, functional, and spatial information, amino acid conservation, physicochemical variation, residue mobility, and thermodynamic stability) has been performed at Invitae for this missense variant, however the output from this modeling did not meet the statistical confidence thresholds required to predict the impact of this variant on RPGR protein function. This variant has not been reported in the literature in individuals affected with RPGR-related conditions. This variant is not present in population databases (gnomAD no frequency). This sequence change replaces isoleucine, which is neutral and non-polar, with phenylalanine, which is neutral and non-polar, at codon 133 of the RPGR protein (p.Ile133Phe).